The following is an entry in ClinVar:

ClinVar aggregate classification (germline): Uncertain significance. Review status: criteria provided, multiple submitters, no conflicts (2 of 4 stars). 3 submissions from 3 submitters: Uncertain significance (3). Last evaluated 2024-07-15.

Conditions:
Dilated cardiomyopathy 1KK (CMD1KK). Identifiers: Orphanet 154, Orphanet 75249, MedGen C3714995, MONDO:0014100, OMIM 615248.
Cardiovascular phenotype. Identifiers: MedGen CN230736.

Allele frequency attached by ClinVar (database versions not stated): ExAC 0.00001; gnomAD 0.00001; ESP Exome Variant Server 0.00008.
gnomAD v4.1: 2 of 1,613,760 alleles (0.00012%); highest among the groups gnomAD compares: African/African-American, 0.0027%; no homozygotes.

Submissions (3):

GeneDx
Classification: Uncertain significance. Last evaluated: 2024-07-15. Review status: criteria provided, single submitter. Criteria: GeneDx Variant Classification Process June 2021. Collection method: clinical testing. Allele origin: germline. Affected: yes.
Comment: Not observed at significant frequency in large population cohorts (gnomAD); In silico analysis indicates that this missense variant does not alter protein structure/function; Has not been previously published as pathogenic or benign to our knowledge

Ambry Genetics
Classification: Uncertain significance for Cardiovascular phenotype. Last evaluated: 2023-02-18. Review status: criteria provided, single submitter. Criteria: Ambry Variant Classification Scheme 2023. Collection method: clinical testing. Allele origin: germline.
Comment: The p.N552S variant (also known as c.1655A>G), located in coding exon 9 of the MYPN gene, results from an A to G substitution at nucleotide position 1655. The asparagine at codon 552 is replaced by serine, an amino acid with highly similar properties. This amino acid position is conserved. In addition, this alteration is predicted to be tolerated by in silico analysis. Since supporting evidence is limited at this time, the clinical significance of this alteration remains unclear.

Labcorp Genetics (formerly Invitae), Labcorp
Classification: Uncertain significance for Dilated cardiomyopathy 1KK. Last evaluated: 2022-06-19. Review status: criteria provided, single submitter. Criteria: Invitae Variant Classification Sherloc (09022015). Collection method: clinical testing. Allele origin: germline.
Comment: In summary, the available evidence is currently insufficient to determine the role of this variant in disease. Therefore, it has been classified as a Variant of Uncertain Significance. Algorithms developed to predict the effect of missense changes on protein structure and function output the following: SIFT: "Tolerated"; PolyPhen-2: "Benign"; Align-GVGD: "Class C0". The serine amino acid residue is found in multiple mammalian species, which suggests that this missense change does not adversely affect protein function. This variant has not been reported in the literature in individuals affected with MYPN-related conditions. This variant is present in population databases (rs375104529, gnomAD 0.007%). This sequence change replaces asparagine, which is neutral and polar, with serine, which is neutral and polar, at codon 552 of the MYPN protein (p.Asn552Ser).

NM_032578.4(MYPN):c.1655A>G (p.Asn552Ser)

Gene: MYPN (myopalladin; plus strand). Cytogenetic location: 10q21.3.
Variant type: single nucleotide variant.
Coding change: c.1655A>G on transcript NM_032578.4 (MANE Select); coding-DNA position 1655, A replaced by G.
Protein change: p.Asn552Ser; replaces asparagine 552 with serine.
Molecular consequence: missense variant. On other transcripts: non-coding transcript variant (2).
Genome position (GRCh38, 1-based): chr10:68,166,348, A>G. VCF-style: chr10-68166348-A-G. GRCh37 (hg19) VCF-style: chr10-69926105-A-G.
Other names: c.1655A>G, p.Asn552Ser (NM_001256267.2); c.773A>G, p.Asn258Ser (NM_001256268.2); c.1655A>G (NM_032578.2); short protein forms N258S, N552S.
Identifiers: ClinVar variation 2145993 (VCV002145993.7), dbSNP rs375104529, ClinGen allele CA5522636.